The following is an entry in ClinVar:

NM_014727.3(KMT2B):c.6066C>A (p.Asp2022Glu)

Gene: KMT2B (lysine methyltransferase 2B; plus strand). Cytogenetic location: 19q13.12.
Variant type: single nucleotide variant.
Coding change: c.6066C>A on transcript NM_014727.3 (MANE Select); coding-DNA position 6066, C replaced by A.
Protein change: p.Asp2022Glu; replaces aspartic acid 2022 with glutamic acid.
Molecular consequence: missense variant.
Genome position (GRCh38, 1-based): chr19:35,732,615, C>A. VCF-style: chr19-35732615-C-A. GRCh37 (hg19) VCF-style: chr19-36223516-C-A.
Other names: short protein forms D2022E.
Identifiers: ClinVar variation 1934351 (VCV001934351.5), dbSNP rs1169276998, ClinGen allele CA405425507.

ClinVar aggregate classification (germline): Uncertain significance (1 of 4 stars; one submission).

Allele frequency attached by ClinVar (database versions not stated): gnomAD exomes below 0.00001.

Submission:

Labcorp Genetics (formerly Invitae), Labcorp
Classification: Uncertain significance. Last evaluated: 2024-09-16. Review status: criteria provided, single submitter. Criteria: Invitae Variant Classification Sherloc (09022015). Collection method: clinical testing. Allele origin: germline.
Comment: This sequence change replaces aspartic acid, which is acidic and polar, with glutamic acid, which is acidic and polar, at codon 2022 of the KMT2B protein (p.Asp2022Glu). The frequency data for this variant in the population databases is considered unreliable, as metrics indicate poor data quality at this position in the gnomAD database. This variant has not been reported in the literature in individuals affected with KMT2B-related conditions. ClinVar contains an entry for this variant (Variation ID: 1934351). Invitae Evidence Modeling of protein sequence and biophysical properties (such as structural, functional, and spatial information, amino acid conservation, physicochemical variation, residue mobility, and thermodynamic stability) indicates that this missense variant is not expected to disrupt KMT2B protein function with a negative predictive value of 80%. In summary, the available evidence is currently insufficient to determine the role of this variant in disease. Therefore, it has been classified as a Variant of Uncertain Significance.